The following is an entry in ClinVar:

NM_033109.5(PNPT1):c.1214G>T (p.Gly405Val)

Gene: PNPT1 (polyribonucleotide nucleotidyltransferase 1; minus strand). Cytogenetic location: 2p16.1.
Variant type: single nucleotide variant.
Coding change: c.1214G>T on transcript NM_033109.5 (MANE Select); coding-DNA position 1214, G replaced by T.
Protein change: p.Gly405Val; replaces glycine 405 with valine.
Molecular consequence: missense variant.
Genome position (GRCh38, 1-based): chr2:55,661,989, C>A on the plus strand (G>T on the coding strand, the complement: PNPT1 is on the minus strand). VCF-style: chr2-55661989-C-A. GRCh37 (hg19) VCF-style: chr2-55889124-C-A.
Other names: short protein forms G405V.
Identifiers: ClinVar variation 2118812 (VCV002118812.4), dbSNP rs2529542816, ClinGen allele CA346928431.
Genomic context (GRCh38, chr2:55,661,989, plus strand): 5'-AACAAACATCTTAAAAACATAACTTACTTTATAGCTGTTATAACTTGATCTGACTTAATA[C>A]CAGATTCTAATGAATCAAATGTAACGGTACAAAGCACCTAAAAAAGAAAAAGAATTCCTC-3'
Protein context (NP_149100.2, residues 395-415): CTVTFDSLES[Gly405Val]IKSDQVITAI

ClinVar aggregate classification (germline): Uncertain significance (1 of 4 stars; one submission).

Submission:

Labcorp Genetics (formerly Invitae), Labcorp
Classification: Uncertain significance. Last evaluated: 2023-03-23. Review status: criteria provided, single submitter. Criteria: Invitae Variant Classification Sherloc (09022015). Collection method: clinical testing. Allele origin: germline.
Comment: This sequence change replaces glycine, which is neutral and non-polar, with valine, which is neutral and non-polar, at codon 405 of the PNPT1 protein (p.Gly405Val). This variant is not present in population databases (gnomAD no frequency). This variant has not been reported in the literature in individuals affected with PNPT1-related conditions. ClinVar contains an entry for this variant (Variation ID: 2118812). Advanced modeling of protein sequence and biophysical properties (such as structural, functional, and spatial information, amino acid conservation, physicochemical variation, residue mobility, and thermodynamic stability) performed at Invitae indicates that this missense variant is not expected to disrupt PNPT1 protein function. In summary, the available evidence is currently insufficient to determine the role of this variant in disease. Therefore, it has been classified as a Variant of Uncertain Significance.